The following is an entry in ClinVar:

NM_001277115.2(DNAH11):c.13184del (p.Arg4395fs)

Gene: DNAH11 (dynein axonemal heavy chain 11; plus strand). Cytogenetic location: 7p15.3.
Variant type: Deletion.
Coding change: c.13184del on transcript NM_001277115.2 (MANE Select); coding-DNA position 13184, one base deleted (G; older notation c.13184delG).
Protein change: p.Arg4395fs; shifts the reading frame from arginine 4395.
Molecular consequence: frameshift variant.
Genome position (GRCh38, 1-based): chr7:21,900,001, G deleted. VCF-style (leftmost placement, unchanged base first): chr7-21900000-CG-C. GRCh37 (hg19) VCF-style: chr7-21939618-CG-C.
Other names: short protein forms R4395fs.
Identifiers: ClinVar variation 4723366 (VCV004723366.1).

ClinVar aggregate classification (germline): Pathogenic (1 of 4 stars; one submission).

Conditions:
Primary ciliary dyskinesia. Also called: Ciliary dyskinesia. Identifiers: Orphanet 244, MedGen C0008780, MONDO:0016575, HP:0012265.

Submission:

Labcorp Genetics (formerly Invitae), Labcorp
Classification: Pathogenic for Primary ciliary dyskinesia. Last evaluated: 2025-07-16. Review status: criteria provided, single submitter. Criteria: Invitae Variant Classification Sherloc (09022015). Collection method: clinical testing. Allele origin: germline.
Comment: This sequence change creates a premature translational stop signal (p.Arg4395Glnfs*12) in the DNAH11 gene. It is expected to result in an absent or disrupted protein product. Loss-of-function variants in DNAH11 are known to be pathogenic (PMID: 18022865, 20513915, 22184204). This variant is not present in population databases (gnomAD no frequency). This variant has not been reported in the literature in individuals affected with DNAH11-related conditions. For these reasons, this variant has been classified as Pathogenic.

Literature cited by the submitters: PubMed 18022865; PubMed 20513915; PubMed 22184204.